The following is an entry in ClinVar:

NM_001375524.1(TRRAP):c.6872G>A (p.Ser2291Asn)

Gene: TRRAP (transformation/transcription domain associated protein; plus strand). Cytogenetic location: 7q22.1.
Variant type: single nucleotide variant.
Coding change: c.6872G>A on transcript NM_001375524.1 (MANE Select); coding-DNA position 6872, G replaced by A.
Protein change: p.Ser2291Asn; replaces serine 2291 with asparagine.
Molecular consequence: missense variant.
Genome position (GRCh38, 1-based): chr7:98,964,671, G>A. VCF-style: chr7-98964671-G-A. GRCh37 (hg19) VCF-style: chr7-98562294-G-A.
Other names: c.6851G>A, p.Ser2284Asn (NM_001244580.2); c.6797G>A, p.Ser2266Asn (NM_003496.4); c.6851G>A (NM_001244580.1); short protein forms S2266N, S2284N, S2291N.
Identifiers: ClinVar variation 1049474 (VCV001049474.7), dbSNP rs199827128, ClinGen allele CA4360997.

ClinVar aggregate classification (germline): Benign/Likely benign. Review status: criteria provided, multiple submitters, no conflicts (2 of 4 stars). 3 submissions from 3 submitters: Benign (1); Likely benign (1). 1 of the submissions does not count toward it. Last evaluated 2025-11-25.

Conditions:
Inborn genetic diseases. Identifiers: MedGen C0950123, MeSH D030342.

Allele frequency attached by ClinVar (database versions not stated): gnomAD 0.00008; TOPMed 0.00010; gnomAD exomes 0.00013 and 0.00014; 1000 Genomes Project 30x 0.00016; 1000 Genomes Project 0.00020; ExAC 0.00021; ESP Exome Variant Server 0.00023.
gnomAD v4.1: 218 of 1,614,060 alleles (0.014%); highest among the groups gnomAD compares: Non-Finnish European, 0.018%; 1 homozygote.

Submissions (3):

Labcorp Genetics (formerly Invitae), Labcorp
Classification: Benign. Last evaluated: 2025-11-25. Review status: criteria provided, single submitter. Criteria: Invitae Variant Classification Sherloc (09022015). Collection method: clinical testing. Allele origin: germline.

Ambry Genetics
Classification: Likely benign for Inborn genetic diseases. Last evaluated: 2022-10-03. Review status: criteria provided, single submitter. Criteria: Ambry Variant Classification Scheme 2023. Collection method: clinical testing. Allele origin: germline.

Department of Pathology and Laboratory Medicine, Sinai Health System
Classification: Likely benign. Review status: no assertion criteria provided. Collection method: clinical testing. Allele origin: unknown. Affected: yes. Study: The Canadian Open Genetics Repository (COGR). Not counted in ClinVar's aggregate classification.
Comment: The TRRAP p.Ser2284Asn variant was not identified in the literature nor was it identified in ClinVar or LOVD 3.0. The variant was identified in dbSNP (ID: rs199827128) and in control databases in 34 of 282688 chromosomes at a frequency of 0.0001203 (Genome Aggregation Database March 6, 2019, v2.1.1). The variant was observed in the following populations: European (non-Finnish) in 32 of 129128 chromosomes (freq: 0.000248) and Latino in 2 of 35384 chromosomes (freq: 0.000057), but was not observed in the African, Ashkenazi Jewish, East Asian, European (Finnish), Other, or South Asian populations. The p.Ser2284 residue is conserved in mammals but not in more distantly related organisms however four out of five computational analyses (PolyPhen-2, SIFT, AlignGVGD, BLOSUM, MutationTaster) do not suggest a high likelihood of impact to the protein; this information is not predictive enough to rule out pathogenicity. The variant occurs outside of the splicing consensus sequence and in silico or computational prediction software programs (SpliceSiteFinder, MaxEntScan, NNSPLICE, GeneSplicer) do not predict a difference in splicing. In summary, based on the above information the clinical significance of this variant cannot be determined with certainty at this time although we would lean towards a more benign role for this variant. This variant is classified as likely benign.